The following is an entry in ClinVar:

NM_018026.4(PACS1):c.1986C>G (p.Ile662Met)

Gene: PACS1 (phosphofurin acidic cluster sorting protein 1; plus strand). Cytogenetic location: 11q13.2.
Variant type: single nucleotide variant.
Coding change: c.1986C>G on transcript NM_018026.4 (MANE Select); coding-DNA position 1986, C replaced by G.
Protein change: p.Ile662Met; replaces isoleucine 662 with methionine.
Molecular consequence: missense variant.
Genome position (GRCh38, 1-based): chr11:66,233,932, C>G. VCF-style: chr11-66233932-C-G. GRCh37 (hg19) VCF-style: chr11-66001403-C-G.
Other names: short protein forms I662M.
Identifiers: ClinVar variation 3901517 (VCV003901517.1).

ClinVar aggregate classification (germline): Uncertain significance (1 of 4 stars; one submission).

Submission:

GeneDx
Classification: Uncertain significance. Last evaluated: 2024-12-09. Review status: criteria provided, single submitter. Criteria: GeneDx Variant Classification Process June 2021. Collection method: clinical testing. Allele origin: germline. Affected: yes.
Comment: Not observed at significant frequency in large population cohorts (gnomAD); In silico analysis supports that this missense variant has a deleterious effect on protein structure/function; Has not been previously published as pathogenic or benign to our knowledge